The following is an entry in ClinVar:

ClinVar aggregate classification (germline): Uncertain significance (0 of 4 stars; one submission).

Allele frequency attached by ClinVar (database versions not stated): gnomAD exomes 0.00002 and 0.00011; ExAC 0.00003; gnomAD 0.00004 and 0.00005; TOPMed 0.00007; ESP Exome Variant Server 0.00008.
gnomAD v4.1: 151 of 1,525,360 alleles (0.0099%); highest among the groups gnomAD compares: Non-Finnish European, 0.013%; no homozygotes.

Submission:

Department of Pathology and Laboratory Medicine, Sinai Health System
Classification: Uncertain significance. Review status: no assertion criteria provided. Collection method: clinical testing. Allele origin: unknown. Affected: yes. Study: The Canadian Open Genetics Repository (COGR).
Comment: The GLMN p.Thr402Ala variant was not identified in the literature nor was it identified in ClinVar, Cosmic or LOVD 3.0. The variant was identified in dbSNP (ID: rs374766335) as well as in control databases in 7 of 279966 chromosomes at a frequency of 0.000025 (Genome Aggregation Database Feb 27, 2017) and was observed in the following population: European (non-Finnish) in 7 of 128006 chromosomes (freq: 0.000055), while the variant was not observed in the African, Latino, Ashkenazi Jewish, East Asian, European (Finnish), Other and South Asian populations. The variant occurs outside of the splicing consensus sequence and in silico or computational prediction software programs (SpliceSiteFinder, MaxEntScan, NNSPLICE, GeneSplicer) do not predict a difference in splicing. The p.Thr402 residue is conserved in mammals but not in more distantly related organisms however four out of five computational analyses (PolyPhen-2, SIFT, AlignGVGD, BLOSUM) do not suggest a high likelihood of impact to the protein; this information is not predictive enough to rule out pathogenicity. In summary, based on the above information the clinical significance of this variant cannot be determined with certainty at this time. This variant is classified as a variant of uncertain significance.

NM_053274.3(GLMN):c.1204A>G (p.Thr402Ala)

Gene: GLMN (glomulin, FKBP associated protein; minus strand). Cytogenetic location: 1p22.1.
Variant type: single nucleotide variant.
Coding change: c.1204A>G on transcript NM_053274.3 (MANE Select); coding-DNA position 1204, A replaced by G.
Protein change: p.Thr402Ala; replaces threonine 402 with alanine.
Molecular consequence: missense variant. On other transcripts: non-coding transcript variant (1).
Genome position (GRCh38, 1-based): chr1:92,266,429, T>C on the plus strand (A>G on the coding strand, the complement: GLMN is on the minus strand). VCF-style: chr1-92266429-T-C. GRCh37 (hg19) VCF-style: chr1-92731986-T-C.
Other names: c.1162A>G, p.Thr388Ala (NM_001319683.2); short protein forms T388A, T402A.
Identifiers: ClinVar variation 1049478 (VCV001049478.1), dbSNP rs374766335, ClinGen allele CA950328.
Genomic context (GRCh38, chr1:92,266,429, plus strand): 5'-TGACTTTTAATCAACCACACACTTAGCAATTAGCCATGCTTGATACATACCTAAATAATG[T>C]ATATTTGCCTTGTGAATCCAACTTGTTAATATACAGCTGAAGCATAGCTAAACTCTTTTT-3'
Protein context (NP_444504.1, residues 392-412): INKLDSQGKY[Thr402Ala]LFRCLLNTSN